The following is an entry in ClinVar:

ClinVar aggregate classification (germline): Likely benign (1 of 4 stars; one submission).

Submission:

Laboratory for Molecular Medicine, Mass General Brigham Personalized Medicine
Classification: Likely benign. Last evaluated: 2014-11-10. Review status: criteria provided, single submitter. Criteria: LMM Criteria. Collection method: clinical testing. Allele origin: germline. Observed: 1 variant allele.
Comment: p.His4603Arg in exon 63 of USH2A: This variant is not expected to have clinical significance due to a lack of conservation across species, including mammals. Of note, the prairie vole, David's myotis, microbat and big brown bat have an argi nine (Arg) at this position despite moderate nearby amino acid conservation.

NM_206933.4(USH2A):c.13808A>G (p.His4603Arg)

Gene: USH2A (usherin; minus strand). Cytogenetic location: 1q41.
Variant type: single nucleotide variant.
Coding change: c.13808A>G on transcript NM_206933.4 (MANE Select); coding-DNA position 13808, A replaced by G.
Protein change: p.His4603Arg; replaces histidine 4603 with arginine.
Molecular consequence: missense variant.
Genome position (GRCh38, 1-based): chr1:215,674,103, T>C on the plus strand (A>G on the coding strand, the complement: USH2A is on the minus strand). VCF-style: chr1-215674103-T-C. GRCh37 (hg19) VCF-style: chr1-215847445-T-C.
Other names: short protein forms H4603R.
Identifiers: ClinVar variation 180059 (VCV000180059.5), dbSNP rs727504551, ClinGen allele CA185725.